The following is an entry in ClinVar:

ClinVar aggregate classification (germline): Conflicting classifications of pathogenicity. Review status: criteria provided, conflicting classifications (1 of 4 stars). 6 submissions from 6 submitters: Uncertain significance (3); Likely benign (3). Last evaluated 2026-03-13.

Conditions:
Inborn genetic diseases. Identifiers: MedGen C0950123, MeSH D030342.
Microcephaly 5, primary, autosomal recessive (MCPH5). Also called: ASPM Primary Microcephaly. Identifiers: Orphanet 2512, MedGen C1837501, MONDO:0012106, OMIM 608716.

Allele frequency attached by ClinVar (database versions not stated): TOPMed 0.00025; gnomAD 0.00026 and 0.00030; ESP Exome Variant Server 0.00046.
gnomAD v4.1: 577 of 1,612,730 alleles (0.036%); highest among the groups gnomAD compares: Non-Finnish European, 0.046%; no homozygotes.

Submissions (6):

Women's Health and Genetics/Laboratory Corporation of America, LabCorp
Classification: Uncertain significance. Last evaluated: 2026-03-13. Review status: criteria provided, single submitter. Criteria: LabCorp Variant Classification Summary - May 2015. Collection method: clinical testing. Allele origin: germline.
Comment: Variant summary: ASPM c.7157A>G (p.His2386Arg) results in a non-conservative amino acid change in the encoded protein sequence. Algorithms developed to predict the effect of missense changes on protein structure and function are either unavailable or do not agree on the potential impact of this missense change. The variant allele was found at a frequency of 0.00017 in 250244 control chromosomes. This frequency is not significantly higher than estimated for disease-causing variants in ASPM, allowing no conclusion about variant significance. To our knowledge, no occurrence of c.7157A>G in individuals affected with ASPM-related conditions and no experimental evidence demonstrating its impact on protein function have been reported. ClinVar contains an entry for this variant (Variation ID: 506686). Based on the evidence outlined above, the variant was classified as uncertain significance.

Blueprint Genetics
Classification: Likely benign. Last evaluated: 2024-03-21. Review status: criteria provided, single submitter. Criteria: ACMG Guidelines, 2015. Collection method: clinical testing. Allele origin: germline.

Ambry Genetics
Classification: Likely benign for Inborn genetic diseases. Last evaluated: 2022-08-26. Review status: criteria provided, single submitter. Criteria: Ambry Variant Classification Scheme 2023. Collection method: clinical testing. Allele origin: germline.

Labcorp Genetics (formerly Invitae), Labcorp
Classification: Uncertain significance. Last evaluated: 2022-08-05. Review status: criteria provided, single submitter. Criteria: Invitae Variant Classification Sherloc (09022015). Collection method: clinical testing. Allele origin: germline.
Comment: This sequence change replaces histidine, which is basic and polar, with arginine, which is basic and polar, at codon 2386 of the ASPM protein (p.His2386Arg). This variant is present in population databases (rs137890991, gnomAD 0.03%). This variant has not been reported in the literature in individuals affected with ASPM-related conditions. ClinVar contains an entry for this variant (Variation ID: 506686). Algorithms developed to predict the effect of missense changes on protein structure and function output the following: SIFT: "Tolerated"; PolyPhen-2: "Benign"; Align-GVGD: "Class C0". The arginine amino acid residue is found in multiple mammalian species, which suggests that this missense change does not adversely affect protein function. In summary, the available evidence is currently insufficient to determine the role of this variant in disease. Therefore, it has been classified as a Variant of Uncertain Significance.

GeneDx
Classification: Likely benign. Last evaluated: 2018-10-03. Review status: criteria provided, single submitter. Criteria: GeneDx Variant Classification Process June 2021. Collection method: clinical testing. Allele origin: germline. Affected: yes.

Illumina Laboratory Services, Illumina
Classification: Uncertain significance for Microcephaly 5, primary, autosomal recessive. Last evaluated: 2018-01-13. Review status: criteria provided, single submitter. Criteria: ICSL Variant Classification Criteria 13 December 2019. Collection method: clinical testing. Allele origin: germline.

NM_018136.5(ASPM):c.7157A>G (p.His2386Arg)

Gene: ASPM (assembly factor for spindle microtubules; minus strand). Cytogenetic location: 1q31.3.
Variant type: single nucleotide variant.
Coding change: c.7157A>G on transcript NM_018136.5 (MANE Select); coding-DNA position 7157, A replaced by G.
Protein change: p.His2386Arg; replaces histidine 2386 with arginine.
Molecular consequence: missense variant. On other transcripts: intron variant (1).
Genome position (GRCh38, 1-based): chr1:197,102,094, T>C on the plus strand (A>G on the coding strand, the complement: ASPM is on the minus strand). VCF-style: chr1-197102094-T-C. GRCh37 (hg19) VCF-style: chr1-197071224-T-C.
Other names: c.4066-5930A>G (NM_001206846.2); short protein forms H2386R.
Identifiers: ClinVar variation 506686 (VCV000506686.15), dbSNP rs137890991, ClinGen allele CA1309447.